The following is an entry in ClinVar:

ClinVar aggregate classification (germline): Likely benign (0 of 4 stars; one submission).

Conditions:
NDUFAF6-related disorder. Also called: NDUFAF6-related condition.

Allele frequency attached by ClinVar (database versions not stated): gnomAD exomes 0.00001; ExAC 0.00003; gnomAD 0.00007; TOPMed 0.00009; ESP Exome Variant Server 0.00017.
gnomAD v4.1: 21 of 1,613,696 alleles (0.0013%); highest among the groups gnomAD compares: African/African-American, 0.025%; no homozygotes.

Submission:

PreventionGenetics, part of Exact Sciences
Classification: Likely benign for NDUFAF6-related condition. Last evaluated: 2020-10-05. Review status: no assertion criteria provided. Collection method: clinical testing. Allele origin: germline.
Comment: This variant is classified as likely benign based on ACMG/AMP sequence variant interpretation guidelines (Richards et al. 2015 PMID: 25741868, with internal and published modifications).

NM_152416.4(NDUFAF6):c.327T>C (p.Ile109=)

Gene: NDUFAF6 (NADH:ubiquinone oxidoreductase complex assembly factor 6; plus strand). Cytogenetic location: 8q22.1.
Variant type: single nucleotide variant.
Coding change: c.327T>C on transcript NM_152416.4 (MANE Select); coding-DNA position 327, T replaced by C.
Protein change: p.Ile109=; no amino-acid change (isoleucine 109 retained).
Molecular consequence: synonymous variant. On other transcripts: 5 prime UTR variant (14), non-coding transcript variant (6).
Genome position (GRCh38, 1-based): chr8:95,035,483, T>C. VCF-style: chr8-95035483-T-C. GRCh37 (hg19) VCF-style: chr8-96047711-T-C.
Other names: c.51T>C, p.Ile17= (NM_001330582.2, NM_001354514.2, NM_001354515.2 and 1 more transcripts); c.171T>C, p.Ile57= (NM_001354516.2); c.-7T>C (NM_001354517.2, NM_001354518.2, NM_001354519.2 and 1 more transcripts); c.-254T>C (NM_001354522.2, NM_001354529.2, NM_001354530.2 and 1 more transcripts); c.-323T>C (NM_001354524.2, NM_001354525.2, NM_001354528.2 and 1 more transcripts); c.-352T>C (NM_001354527.2, NM_001354531.2).
Identifiers: ClinVar variation 3032010 (VCV003032010.2), dbSNP rs376910137, ClinGen allele CA4814747.